The following is an entry in ClinVar:

ClinVar aggregate classification (germline): Uncertain significance (1 of 4 stars; one submission).

Submission:

Labcorp Genetics (formerly Invitae), Labcorp
Classification: Uncertain significance. Last evaluated: 2025-06-23. Review status: criteria provided, single submitter. Criteria: Invitae Variant Classification Sherloc (09022015). Collection method: clinical testing. Allele origin: germline.
Comment: This sequence change is expected to alter the c-terminus of the NTHL1 protein (p.Cys297Alafs*44). While this is not anticipated to result in nonsense mediated decay, it is expected to disrupt the last 16 amino acid(s) of the NTHL1 protein and extend the protein by 27 additional amino acid residues. This variant is not present in population databases (gnomAD no frequency). This variant has not been reported in the literature in individuals affected with NTHL1-related conditions. This variant disrupts a region of the NTHL1 protein in which other variant(s) (p.His298Arg) have been observed in individuals with NTHL1-related conditions (internal data). This suggests that this is a clinically significant region of the protein, and that variants that disrupt it are likely to be disease-causing. In summary, the available evidence is currently insufficient to determine the role of this variant in disease. Therefore, it has been classified as a Variant of Uncertain Significance.

NM_002528.7(NTHL1):c.864del (p.Cys289fs)

Gene: NTHL1 (nth like DNA glycosylase 1; minus strand). Cytogenetic location: 16p13.3.
Variant type: Deletion.
Coding change: c.864del on transcript NM_002528.7 (MANE Select); coding-DNA position 864, one base deleted (C; older notation c.864delC).
Protein change: p.Cys289fs; shifts the reading frame from cysteine 289.
Molecular consequence: frameshift variant.
Genome position (GRCh38, 1-based): chr16:2,039,975, G deleted on the plus strand (C on the coding strand, the reverse complement: NTHL1 is on the minus strand). VCF-style (leftmost placement, unchanged base first): chr16-2039974-AG-A. GRCh37 (hg19) VCF-style: chr16-2089975-AG-A.
Other names: c.693del, p.Cys232fs (NM_001318193.2); c.534del, p.Cys179fs (NM_001318194.2); short protein forms C232fs, C289fs, C179fs.
Identifiers: ClinVar variation 4722003 (VCV004722003.1).